The following is an entry in ClinVar:

NM_025137.4(SPG11):c.7255_7258dup (p.Phe2420Ter)

Gene: SPG11 (SPG11 vesicle trafficking associated, spatacsin; minus strand). Cytogenetic location: 15q21.1.
Variant type: Duplication.
Coding change: c.7255_7258dup on transcript NM_025137.4 (MANE Select); coding-DNA positions 7255 to 7258, 4 bases duplicated (AAGT; older notation c.7255_7258dupAAGT).
Protein change: p.Phe2420Ter; replaces phenylalanine 2420 with a stop codon.
Molecular consequence: nonsense. On other transcripts: frameshift variant (1).
Genome position (GRCh38, 1-based): chr15:44,563,195-44,563,198, ACTT duplicated on the plus strand (AAGT on the coding strand, the reverse complement: SPG11 is on the minus strand). VCF-style (leftmost placement, unchanged base first): chr15-44563194-A-AACTT. GRCh37 (hg19) VCF-style: chr15-44855392-A-AACTT.
Other names: c.6916_6919dup, p.Phe2307Ter (NM_001160227.2); c.7111_7114dup, p.Phe2372Terfs (NM_001411132.1); short protein forms F2307*, F2420*.
Identifiers: ClinVar variation 2166253 (VCV002166253.1), dbSNP rs747989176, ClinGen allele CA7533835.
Genomic context (GRCh38, chr15:44,563,194, plus strand): 5'-ATGTCCTTTAGACAGCAACCTGTCTGAGGGTCCTTCAGAAGCACATTTACAATTTCATAA[A>AACTT]ACTTGTGTTCGTATGCCAACTTGTAATACAGGTAAACATCTTCACAATATGTGAGTAATT-3'

ClinVar aggregate classification (germline): Uncertain significance (1 of 4 stars; one submission).

Conditions:
Hereditary spastic paraplegia 11. Also called: Nakamura Osame syndrome; Autosomal recessive hereditary spastic paraplegia, mental impairment, and thin corpus callosum; SPASTIC PARAPLEGIA, AUTOSOMAL RECESSIVE, COMPLICATED, WITH THIN CORPUS CALLOSUM; SPASTIC PARAPLEGIA, AUTOSOMAL RECESSIVE, WITH MENTAL IMPAIRMENT AND THIN CORPUS CALLOSUM; Spastic Paraplegia 11; Spastic paraplegia, mental retardation and thin corpus callosum. Identifiers: Orphanet 2822, MedGen C1858479, MONDO:0011445, OMIM 604360.

Allele frequency attached by ClinVar (database versions not stated): ExAC 0.00001; ESP Exome Variant Server 0.00008.

Submission:

Labcorp Genetics (formerly Invitae), Labcorp
Classification: Uncertain significance for Hereditary spastic paraplegia 11. Last evaluated: 2022-10-17. Review status: criteria provided, single submitter. Criteria: Invitae Variant Classification Sherloc (09022015). Collection method: clinical testing. Allele origin: germline.
Comment: This sequence change creates a premature translational stop signal (p.Phe2420*) in the SPG11 gene. While this is not anticipated to result in nonsense mediated decay, it is expected to disrupt the last 24 amino acid(s) of the SPG11 protein. This variant is present in population databases (rs747989176, gnomAD 0.007%). This variant has not been reported in the literature in individuals affected with SPG11-related conditions. Experimental studies and prediction algorithms are not available or were not evaluated, and the functional significance of this variant is currently unknown. Algorithms developed to predict the effect of sequence changes on RNA splicing suggest that this variant may create or strengthen a splice site. In summary, the available evidence is currently insufficient to determine the role of this variant in disease. Therefore, it has been classified as a Variant of Uncertain Significance.